The following is an entry in ClinVar:

ClinVar aggregate classification (germline): Conflicting classifications of pathogenicity. Review status: criteria provided, conflicting classifications (1 of 4 stars). 2 submissions from 2 submitters: Uncertain significance (1); Likely benign (1). Last evaluated 2023-06-27.

Conditions:
Cystic fibrosis (CF). Also called: MUCOVISCIDOSIS. Identifiers: Orphanet 586, MedGen C0010674, MONDO:0009061, OMIM 219700. Disease mechanism: loss of function.

Allele frequency attached by ClinVar (database versions not stated): gnomAD exomes below 0.00001.
gnomAD v4.1: 1 of 1,577,414 alleles (0.000063%); highest among the groups gnomAD compares: Admixed American, 0.0017%; no homozygotes.

Submissions (2):

Labcorp Genetics (formerly Invitae), Labcorp
Classification: Likely benign for Cystic fibrosis. Last evaluated: 2023-06-27. Review status: criteria provided, single submitter. Criteria: Invitae Variant Classification Sherloc (09022015). Collection method: clinical testing. Allele origin: germline.

GeneDx
Classification: Uncertain significance. Last evaluated: 2023-03-17. Review status: criteria provided, single submitter. Criteria: GeneDx Variant Classification Process June 2021. Collection method: clinical testing. Allele origin: germline. Affected: yes.
Comment: Not observed at significant frequency in large population cohorts (gnomAD); In silico analysis supports that this variant does not alter splicing; Has not been previously published as pathogenic or benign to our knowledge

NM_000492.4(CFTR):c.2925A>G (p.Arg975=)

Genes: CFTR (CF transmembrane conductance regulator; plus strand), CFTR-AS2 (CFTR antisense RNA 2; minus strand). Cytogenetic location: 7q31.2.
Variant type: single nucleotide variant.
Coding change: c.2925A>G on transcript NM_000492.4 (MANE Select); coding-DNA position 2925, A replaced by G.
Protein change: p.Arg975=; no amino-acid change (arginine 975 retained).
Molecular consequence: synonymous variant.
Genome position (GRCh38, 1-based): chr7:117,606,690, A>G. VCF-style: chr7-117606690-A-G. GRCh37 (hg19) VCF-style: chr7-117246744-A-G.
Identifiers: ClinVar variation 2579894 (VCV002579894.4), dbSNP rs1160986735, ClinGen allele CA457228796.